The following is an entry in ClinVar:

NM_001458.5(FLNC):c.4404_4405delinsCC (p.Cys1469Arg)

Gene: FLNC (filamin C; plus strand). Cytogenetic location: 7q32.1.
Variant type: Indel.
Coding change: c.4404_4405delinsCC on transcript NM_001458.5 (MANE Select); coding-DNA positions 4404 to 4405, TT replaced by CC.
Protein change: p.Cys1469Arg; replaces cysteine 1469 with arginine.
Molecular consequence: missense variant.
Genome position (GRCh38, 1-based): chr7:128,847,812-128,847,813, TT replaced by CC. VCF-style: chr7-128847812-TT-CC. GRCh37 (hg19) VCF-style: chr7-128487866-TT-CC.
Other names: c.4404_4405delinsCC, p.Cys1469Arg (NM_001127487.2); short protein forms C1469R.
Identifiers: ClinVar variation 4812673 (VCV004812673.1).

ClinVar aggregate classification (germline): Uncertain significance (1 of 4 stars; one submission).

Conditions:
Hypertrophic cardiomyopathy 26. Also called: Cardiomyopathy, familial hypertrophic, 26. Identifiers: Orphanet 75249, MedGen C4310749, MONDO:0014883, OMIM 617047.
Myofibrillar myopathy 5. Also called: Filaminopathy (type); FILAMINOPATHY, AUTOSOMAL DOMINANT. Identifiers: Orphanet 171445, MedGen C1836050, MONDO:0012289, OMIM 609524.
Distal myopathy with posterior leg and anterior hand involvement. Also called: WILLIAMS DISTAL MYOPATHY. Identifiers: Orphanet 63273, MedGen C3279722, MONDO:0013550, OMIM 614065.

Submission:

Labcorp Genetics (formerly Invitae), Labcorp
Classification: Uncertain significance for Distal myopathy with posterior leg and anterior hand involvement; Myofibrillar myopathy 5; Hypertrophic cardiomyopathy 26. Last evaluated: 2025-03-16. Review status: criteria provided, single submitter. Criteria: Invitae Variant Classification Sherloc (09022015). Collection method: clinical testing. Allele origin: germline.
Comment: This sequence change replaces cysteine, which is neutral and slightly polar, with arginine, which is basic and polar, at codon 1469 of the FLNC protein (p.Cys1469Arg). This variant is not present in population databases (gnomAD no frequency). This variant has not been reported in the literature in individuals affected with FLNC-related conditions. Experimental studies and prediction algorithms are not available or were not evaluated, and the functional significance of this variant is currently unknown. In summary, the available evidence is currently insufficient to determine the role of this variant in disease. Therefore, it has been classified as a Variant of Uncertain Significance.